The following is an entry in ClinVar:

ClinVar aggregate classification (germline): Benign/Likely benign. Review status: criteria provided, multiple submitters, no conflicts (2 of 4 stars). 6 submissions from 6 submitters: Benign (3); Likely benign (3). Last evaluated 2026-02-03.

Conditions:
Dilated cardiomyopathy 1J (CMD1J). Also called: CARDIOMYOPATHY, DILATED, WITH SENSORINEURAL HEARING LOSS, AUTOSOMAL DOMINANT. Identifiers: Orphanet 217622, MedGen C1854368, MONDO:0011541, OMIM 605362.

Allele frequency attached by ClinVar (database versions not stated): ExAC 0.00102; 1000 Genomes Project 0.00180; 1000 Genomes Project 30x 0.00187; ESP Exome Variant Server 0.00200; gnomAD 0.00252 and 0.00276; TOPMed 0.00274.
gnomAD v4.1: 1,037 of 1,562,560 alleles (0.066%); highest among the groups gnomAD compares: African/African-American, 0.88%; 4 homozygotes.

Submissions (6):

Labcorp Genetics (formerly Invitae), Labcorp
Classification: Benign for Dilated cardiomyopathy 1J. Last evaluated: 2026-02-03. Review status: criteria provided, single submitter. Criteria: Invitae Variant Classification Sherloc (09022015). Collection method: clinical testing. Allele origin: germline.

Blueprint Genetics
Classification: Likely benign. Last evaluated: 2024-11-25. Review status: criteria provided, single submitter. Criteria: ACMG Guidelines, 2015. Collection method: clinical testing. Allele origin: germline.

Women's Health and Genetics/Laboratory Corporation of America, LabCorp
Classification: Benign. Last evaluated: 2021-04-20. Review status: criteria provided, single submitter. Criteria: LabCorp Variant Classification Summary - May 2015. Collection method: clinical testing. Allele origin: germline.
Comment: Variant summary: EYA4 c.804+16G>T alters a non-conserved nucleotide located close to a canonical splice site and therefore could affect mRNA splicing, leading to a significantly altered protein sequence. 4/4 computational tools predict no significant impact on normal splicing. However, these predictions have yet to be confirmed by functional studies. The variant allele was found at a frequency of 0.00086 in 248428 control chromosomes, predominantly at a frequency of 0.0068 within the African or African-American subpopulation in the gnomAD database, including 1 homozygote. The observed variant frequency within African or African-American control individuals in the gnomAD database is approximately 435 fold of the estimated maximal expected allele frequency for a pathogenic variant in EYA4 causing Dilated Cardiomyopathy phenotype (1.6e-05), strongly suggesting that the variant is a benign polymorphism found primarily in populations of African or African-American origin. To our knowledge, no occurrence of c.804+16G>T in individuals affected with Dilated Cardiomyopathy and no experimental evidence demonstrating its impact on protein function have been reported. One clinical diagnostic laboratory has submitted clinical-significance assessments for this variant to ClinVar after 2014 without evidence for independent evaluation. One laboratory classified the variant as benign. Based on the evidence outlined above, the variant was classified as benign.

GeneDx
Classification: Likely benign. Last evaluated: 2019-12-06. Review status: criteria provided, single submitter. Criteria: GeneDx Variant Classification Process June 2021. Collection method: clinical testing. Allele origin: germline. Affected: yes.

ARUP Laboratories, Molecular Genetics and Genomics, ARUP Laboratories
Classification: Benign. Last evaluated: 2019-03-03. Review status: criteria provided, single submitter. Criteria: ARUP Molecular Germline Variant Investigation Process. Collection method: clinical testing. Allele origin: germline.

Breakthrough Genomics
Classification: Likely benign. Review status: criteria provided, single submitter. Criteria: ACMG Guidelines, 2015. Collection method: not provided. Allele origin: germline. Inheritance: Autosomal dominant inheritance. Affected: yes.

NM_004100.5(EYA4):c.804+16G>T

Gene: EYA4 (EYA transcriptional coactivator and phosphatase 4; plus strand). Cytogenetic location: 6q23.2.
Variant type: single nucleotide variant.
Coding change: c.804+16G>T on transcript NM_004100.5 (MANE Select); 16 bases into the intron after coding-DNA position 804, G replaced by T.
Molecular consequence: intron variant.
Genome position (GRCh38, 1-based): chr6:133,464,874, G>T. VCF-style: chr6-133464874-G-T. GRCh37 (hg19) VCF-style: chr6-133786012-G-T.
Other names: c.804+16G>T (NM_001301013.2, NM_172105.4); c.735+16G>T (NM_001370458.1, NM_172103.4); c.642+16G>T (NM_001370459.1, NM_001301012.2).
Identifiers: ClinVar variation 811666 (VCV000811666.21), dbSNP rs13362743, ClinGen allele CA4008150.
Genomic context (GRCh38, chr6:133,464,874, plus strand): 5'-AATAATTCAGTTTCCAATTCAACGAATTTCAGTGGTTCACAACAGGTATAGTAGCTTTTT[G>T]TGTTTATGCTTTTTATATGTATTTCAGATTTTTGAAGAGTACTCTCAGGTTGCCATATAT-3'